The following is an entry in ClinVar:

NM_004700.4(KCNQ4):c.1292+12G>A

Gene: KCNQ4 (potassium voltage-gated channel subfamily Q member 4; plus strand). Cytogenetic location: 1p34.2.
Variant type: single nucleotide variant.
Coding change: c.1292+12G>A on transcript NM_004700.4 (MANE Select); 12 bases into the intron after coding-DNA position 1292, G replaced by A.
Molecular consequence: intron variant.
Genome position (GRCh38, 1-based): chr1:40,824,270, G>A. VCF-style: chr1-40824270-G-A. GRCh37 (hg19) VCF-style: chr1-41289942-G-A.
Other names: c.1130+1868G>A (NM_172163.3).
Identifiers: ClinVar variation 227465 (VCV000227465.15), dbSNP rs200426006, ClinGen allele CA794834.

ClinVar aggregate classification (germline): Benign/Likely benign. Review status: criteria provided, multiple submitters, no conflicts (2 of 4 stars). 5 submissions from 5 submitters: Benign (2); Likely benign (3). Last evaluated 2026-01-22.

Conditions:
Autosomal dominant nonsyndromic hearing loss 2A. Also called: Autosomal dominant nonsyndromic deafness 2A; DFNA2 Nonsyndromic Hearing Loss; Deafness, autosomal dominant 2A. Identifiers: Orphanet 90635, MedGen C2677637, MONDO:0010817, OMIM 600101.

Allele frequency attached by ClinVar (database versions not stated): ExAC 0.00095; 1000 Genomes Project 30x 0.00172; ESP Exome Variant Server 0.00174; TOPMed 0.00184; gnomAD 0.00196 and 0.00200; 1000 Genomes Project 0.00200.
gnomAD v4.1: 749 of 1,603,776 alleles (0.047%); highest among the groups gnomAD compares: African/African-American, 0.63%; 3 homozygotes.

Submissions (5):

Labcorp Genetics (formerly Invitae), Labcorp
Classification: Benign. Last evaluated: 2026-01-22. Review status: criteria provided, single submitter. Criteria: Invitae Variant Classification Sherloc (09022015). Collection method: clinical testing. Allele origin: germline.

Blueprint Genetics
Classification: Likely benign. Last evaluated: 2024-10-10. Review status: criteria provided, single submitter. Criteria: ACMG Guidelines, 2015. Collection method: clinical testing. Allele origin: germline.

Genome-Nilou Lab
Classification: Benign for Autosomal dominant nonsyndromic hearing loss 2A. Last evaluated: 2023-04-11. Review status: criteria provided, single submitter. Criteria: ACMG Guidelines, 2015. Collection method: clinical testing. Allele origin: germline. Affected: no.

GeneDx
Classification: Likely benign. Last evaluated: 2020-07-19. Review status: criteria provided, single submitter. Criteria: GeneDx Variant Classification Process June 2021. Collection method: clinical testing. Allele origin: germline. Affected: yes.

Laboratory for Molecular Medicine, Mass General Brigham Personalized Medicine
Classification: Likely benign. Last evaluated: 2012-04-30. Review status: criteria provided, single submitter. Criteria: LMM Criteria. Collection method: clinical testing. Allele origin: germline. Observed: 1 variant allele.
Comment: 1292+12G>A in Intron 09 of KCNQ4: This variant is not expected to have clinical significance because it is not located within the conserved splice consensus seq uence and has been identified in 0.5% (17/3628) of African American chromosomes from a broad population by the NHLBI Exome Sequencing Project.